The following is an entry in ClinVar:

NM_000836.4(GRIN2D):c.2791C>T (p.Pro931Ser)

Gene: GRIN2D (glutamate ionotropic receptor NMDA type subunit 2D; plus strand). Cytogenetic location: 19q13.33.
Variant type: single nucleotide variant.
Coding change: c.2791C>T on transcript NM_000836.4 (MANE Select); coding-DNA position 2791, C replaced by T.
Protein change: p.Pro931Ser; replaces proline 931 with serine.
Molecular consequence: missense variant.
Genome position (GRCh38, 1-based): chr19:48,442,717, C>T. VCF-style: chr19-48442717-C-T. GRCh37 (hg19) VCF-style: chr19-48945974-C-T.
Other names: short protein forms P931S.
Identifiers: ClinVar variation 1995333 (VCV001995333.4), dbSNP rs1208131908, ClinGen allele CA406673678.

ClinVar aggregate classification (germline): Uncertain significance (1 of 4 stars; one submission).

Submission:

Labcorp Genetics (formerly Invitae), Labcorp
Classification: Uncertain significance. Last evaluated: 2022-05-16. Review status: criteria provided, single submitter. Criteria: Invitae Variant Classification Sherloc (09022015). Collection method: clinical testing. Allele origin: germline.
Comment: In summary, the available evidence is currently insufficient to determine the role of this variant in disease. Therefore, it has been classified as a Variant of Uncertain Significance. Advanced modeling of protein sequence and biophysical properties (such as structural, functional, and spatial information, amino acid conservation, physicochemical variation, residue mobility, and thermodynamic stability) performed at Invitae indicates that this missense variant is not expected to disrupt GRIN2D protein function. This variant has not been reported in the literature in individuals affected with GRIN2D-related conditions. The frequency data for this variant in the population databases is considered unreliable, as metrics indicate insufficient coverage at this position in the gnomAD database. This sequence change replaces proline, which is neutral and non-polar, with serine, which is neutral and polar, at codon 931 of the GRIN2D protein (p.Pro931Ser).